The following is an entry in ClinVar:

ClinVar aggregate classification (germline): Uncertain significance. Review status: criteria provided, multiple submitters, no conflicts (2 of 4 stars). 3 submissions from 3 submitters: Uncertain significance (3). Last evaluated 2025-12-01.

Conditions:
Chuvash polycythemia. Also called: POLYCYTHEMIA, VHL-DEPENDENT. Identifiers: Orphanet 238557, MedGen C1837915, MONDO:0009892, OMIM 263400.
Von Hippel-Lindau syndrome (VHLS). Also called: von Hippel–Lindau syndrome; Von Hippel-Lindau; VHL syndrome. Identifiers: Orphanet 892, MedGen C0019562, MONDO:0008667, OMIM 193300. Disease mechanism: loss of function.
Hereditary cancer-predisposing syndrome. Also called: Hereditary Cancer Syndrome; Hereditary neoplastic syndrome; Neoplastic Syndromes, Hereditary; Tumor predisposition. Identifiers: Orphanet 140162, MedGen C0027672, MeSH D009386, MONDO:0015356.

Allele frequency attached by ClinVar (database versions not stated): gnomAD exomes below 0.00001.
gnomAD v4.1: 1 of 1,532,432 alleles (0.000065%); highest among the groups gnomAD compares: Non-Finnish European, 0.000088%; no homozygotes.

Submissions (3):

CeGaT Center for Human Genetics Tuebingen
Classification: Uncertain significance. Last evaluated: 2025-12-01. Review status: criteria provided, single submitter. Criteria: CeGaT Center For Human Genetics Tuebingen Variant Classification Criteria Version 2. Collection method: clinical testing. Allele origin: germline. Affected: yes. Observed: 1 variant allele.
Comment: VHL: PM2, BP4

Ambry Genetics
Classification: Uncertain significance for Hereditary cancer-predisposing syndrome. Last evaluated: 2024-11-19. Review status: criteria provided, single submitter. Criteria: Ambry Variant Classification Scheme 2023. Collection method: clinical testing. Allele origin: germline.
Comment: The p.A15V variant (also known as c.44C>T), located in coding exon 1 of the VHL gene, results from a C to T substitution at nucleotide position 44. The alanine at codon 15 is replaced by valine, an amino acid with similar properties. This amino acid position is not well conserved in available vertebrate species. In addition, this alteration is predicted to be tolerated by in silico analysis. Based on the available evidence, the clinical significance of this variant remains unclear.

Labcorp Genetics (formerly Invitae), Labcorp
Classification: Uncertain significance for Von Hippel-Lindau syndrome; Chuvash polycythemia. Last evaluated: 2023-12-18. Review status: criteria provided, single submitter. Criteria: Invitae Variant Classification Sherloc (09022015). Collection method: clinical testing. Allele origin: germline.
Comment: This sequence change replaces alanine, which is neutral and non-polar, with valine, which is neutral and non-polar, at codon 15 of the VHL protein (p.Ala15Val). This variant is not present in population databases (gnomAD no frequency). This variant has not been reported in the literature in individuals affected with VHL-related conditions. Advanced modeling of protein sequence and biophysical properties (such as structural, functional, and spatial information, amino acid conservation, physicochemical variation, residue mobility, and thermodynamic stability) performed at Invitae indicates that this missense variant is not expected to disrupt VHL protein function with a negative predictive value of 95%. In summary, the available evidence is currently insufficient to determine the role of this variant in disease. Therefore, it has been classified as a Variant of Uncertain Significance.

NM_000551.4(VHL):c.44C>T (p.Ala15Val)

Gene: VHL (von Hippel-Lindau tumor suppressor; plus strand). Cytogenetic location: 3p25.3.
Variant type: single nucleotide variant.
Coding change: c.44C>T on transcript NM_000551.4 (MANE Select); coding-DNA position 44, C replaced by T.
Protein change: p.Ala15Val; replaces alanine 15 with valine.
Molecular consequence: missense variant. On other transcripts: non-coding transcript variant (1).
Genome position (GRCh38, 1-based): chr3:10,141,891, C>T. VCF-style: chr3-10141891-C-T. GRCh37 (hg19) VCF-style: chr3-10183575-C-T.
Other names: c.44C>T, p.Ala15Val (NM_001354723.2, NM_198156.3); short protein forms A15V.
Identifiers: ClinVar variation 2925982 (VCV002925982.9), dbSNP rs1159027899, ClinGen allele CA351747200.